The following is an entry in ClinVar:

NM_001127208.3(TET2):c.365G>T (p.Arg122Ile)

Genes: TET2 (tet methylcytosine dioxygenase 2; plus strand), TET2-AS1 (TET2 antisense RNA 1; minus strand). Cytogenetic location: 4q24.
Variant type: single nucleotide variant.
Coding change: c.365G>T on transcript NM_001127208.3 (MANE Select); coding-DNA position 365, G replaced by T.
Protein change: p.Arg122Ile; replaces arginine 122 with isoleucine.
Molecular consequence: missense variant.
Genome position (GRCh38, 1-based): chr4:105,234,307, G>T. VCF-style: chr4-105234307-G-T. GRCh37 (hg19) VCF-style: chr4-106155464-G-T.
Other names: c.365G>T, p.Arg122Ile (NM_017628.4); short protein forms R122I.
Identifiers: ClinVar variation 4594233 (VCV004594233.1).

ClinVar aggregate classification (germline): Uncertain significance (1 of 4 stars; one submission).

Submission:

Ambry Genetics
Classification: Uncertain significance. Last evaluated: 2025-12-06. Review status: criteria provided, single submitter. Criteria: Ambry Variant Classification Scheme 2023. Collection method: clinical testing. Allele origin: germline.
Comment: The p.R122I variant (also known as c.365G>T), located in coding exon 1 of the TET2 gene, results from a G to T substitution at nucleotide position 365. The arginine at codon 122 is replaced by isoleucine, an amino acid with similar properties. This amino acid position is conserved. In addition, this alteration is predicted to be tolerated by in silico analysis. Based on the available evidence, the clinical significance of this variant remains unclear.